The following is an entry in ClinVar:

ClinVar aggregate classification (germline): Pathogenic. Review status: criteria provided, multiple submitters, no conflicts (2 of 4 stars). 2 submissions from 2 submitters: Pathogenic (2). Last evaluated 2025-03-04.

Conditions:
Hereditary cancer-predisposing syndrome. Also called: Hereditary neoplastic syndrome; Tumor predisposition; Neoplastic Syndromes, Hereditary; Hereditary Cancer Syndrome. Identifiers: Orphanet 140162, MedGen C0027672, MeSH D009386, MONDO:0015356.

Submissions (2):

Center for Genomic Medicine, Rigshospitalet, Copenhagen University Hospital
Classification: Pathogenic. Last evaluated: 2025-03-04. Review status: criteria provided, single submitter. Criteria: ACMG Guidelines, 2015. Collection method: clinical testing. Allele origin: germline.

Ambry Genetics
Classification: Pathogenic for Hereditary cancer-predisposing syndrome. Last evaluated: 2022-03-29. Review status: criteria provided, single submitter. Criteria: Ambry Variant Classification Scheme 2023. Collection method: clinical testing. Allele origin: germline.
Comment: The p.E446* pathogenic mutation (also known as c.1336G>T), located in coding exon 4 of the MSH6 gene, results from a G to T substitution at nucleotide position 1336. This changes the amino acid from a glutamic acid to a stop codon within coding exon 4. This alteration is expected to result in loss of function by premature protein truncation or nonsense-mediated mRNA decay. As such, this alteration is interpreted as a disease-causing mutation.

NM_000179.3(MSH6):c.1336G>T (p.Glu446Ter)

Gene: MSH6 (mutS homolog 6; plus strand). Cytogenetic location: 2p16.3.
Variant type: single nucleotide variant.
Coding change: c.1336G>T on transcript NM_000179.3 (MANE Select); coding-DNA position 1336, G replaced by T.
Protein change: p.Glu446Ter; replaces glutamic acid 446 with a stop codon.
Molecular consequence: nonsense.
Genome position (GRCh38, 1-based): chr2:47,799,319, G>T. VCF-style: chr2-47799319-G-T. GRCh37 (hg19) VCF-style: chr2-48026458-G-T.
Other names: c.946G>T, p.Glu316Ter (NM_001281492.2); c.430G>T, p.Glu144Ter (NM_001281493.2, NM_001281494.2); c.1336G>T (NM_000179.2); short protein forms E144*, E316*, E446*.
Identifiers: ClinVar variation 1697907 (VCV001697907.9), dbSNP rs1669321230, ClinGen allele CA346744563.